The following is an entry in ClinVar:

NM_002474.3(MYH11):c.3586_3588del (p.Glu1196del)

Gene: MYH11 (myosin heavy chain 11; minus strand). Cytogenetic location: 16p13.11.
Variant type: Deletion.
Coding change: c.3586_3588del on transcript NM_002474.3 (MANE Select); coding-DNA positions 3586 to 3588, 3 bases deleted (GAG; older notation c.3586_3588delGAG).
Protein change: p.Glu1196del; deletes glutamic acid 1196.
Molecular consequence: inframe deletion.
Genome position (GRCh38, 1-based): chr16:15,732,627-15,732,629, CTC deleted on the plus strand (GAG on the coding strand, the reverse complement: MYH11 is on the minus strand); deleting any 3 consecutive bases within chr16:15,732,627-15,732,631 gives the same sequence; the c. name uses the placement nearest the transcript's 3' end. VCF-style (leftmost placement, unchanged base first): chr16-15732626-TCTC-T. GRCh37 (hg19) VCF-style: chr16-15826483-TCTC-T.
Other names: c.3607_3609del, p.Glu1203del (NM_001040113.2, NM_001040114.2); c.3586_3588del, p.Glu1196del (NM_022844.3); short protein forms E1203del, E1196del.
Identifiers: ClinVar variation 2448072 (VCV002448072.2), dbSNP rs2506170496, ClinGen allele CA2575922919.

ClinVar aggregate classification (germline): Uncertain significance (1 of 4 stars; one submission).

Conditions:
Familial thoracic aortic aneurysm and aortic dissection (TAAD). Also called: Thoracic aortic aneurysms and dissections. Identifiers: Orphanet 91387, MedGen C4707243, MONDO:0019625.

Submission:

Ambry Genetics
Classification: Uncertain significance for Familial thoracic aortic aneurysm and aortic dissection. Last evaluated: 2022-12-15. Review status: criteria provided, single submitter. Criteria: Ambry Variant Classification Scheme 2023. Collection method: clinical testing. Allele origin: germline.
Comment: The c.3586_3588delGAG variant (also known as p.E1196del) is located in coding exon 26 of the MYH11 gene. This variant results from an in-frame GAG deletion at nucleotide positions 3586 to 3588. This results in the in-frame deletion of a glutamic acid at codon 1196. This amino acid position is well conserved in available vertebrate species. In addition, this alteration is predicted to be deleterious by in silico analysis (Choi Y et al. PLoS ONE. 2012; 7(10):e46688). Since supporting evidence is limited at this time, the clinical significance of this alteration remains unclear.